The following is an entry in ClinVar:

NM_000512.5(GALNS):c.1417C>T (p.Gln473Ter)

Genes: GALNS (galactosamine (N-acetyl)-6-sulfatase; minus strand), LOC126862447 (CDK7 strongly-dependent group 2 enhancer GRCh37_chr16:88884193-88885392; plus strand). Cytogenetic location: 16q24.3.
Variant type: single nucleotide variant.
Coding change: c.1417C>T on transcript NM_000512.5 (MANE Select); coding-DNA position 1417, C replaced by T.
Protein change: p.Gln473Ter; replaces glutamine 473 with a stop codon.
Molecular consequence: nonsense.
Genome position (GRCh38, 1-based): chr16:88,818,072, G>A on the plus strand (C>T on the coding strand, the complement: GALNS is on the minus strand). VCF-style: chr16-88818072-G-A. GRCh37 (hg19) VCF-style: chr16-88884480-G-A.
Other names: c.862C>T, p.Gln288Ter (NM_001323543.2); c.1435C>T, p.Gln479Ter (NM_001323544.2); short protein forms Q473*, Q479*, Q288*.
Identifiers: ClinVar variation 704 (VCV000000704.10), dbSNP rs118204439, ClinGen allele CA251566.

ClinVar aggregate classification (germline): Pathogenic. Review status: criteria provided, multiple submitters, no conflicts (2 of 4 stars). 3 submissions from 3 submitters: Pathogenic (2). 1 of the submissions does not count toward it. Last evaluated 2022-08-19.

Conditions:
Mucopolysaccharidosis, MPS-IV-A (MPS4A). Also called: GALACTOSAMINE-6-SULFATASE DEFICIENCY; GALNS DEFICIENCY; MPS IVA; Mucopolysaccharidosis type IV A; Morquio syndrome A, mild; MORQUIO A DISEASE. Identifiers: Orphanet 309297, Orphanet 582, MedGen C0086651, MONDO:0009659, OMIM 253000.

Allele frequency attached by ClinVar (database versions not stated): gnomAD exomes below 0.00001.
gnomAD v4.1: 2 of 1,574,444 alleles (0.00013%); no homozygotes.

Submissions (3):

Labcorp Genetics (formerly Invitae), Labcorp
Classification: Pathogenic for Mucopolysaccharidosis, MPS-IV-A. Last evaluated: 2022-08-19. Review status: criteria provided, single submitter. Criteria: Invitae Variant Classification Sherloc (09022015). Collection method: clinical testing. Allele origin: germline.
Comment: This premature translational stop signal has been observed in individual(s) with mucopolysaccharidosis type IVA (PMID: 7581409, 33752727). ClinVar contains an entry for this variant (Variation ID: 704). This variant is not present in population databases (gnomAD no frequency). This sequence change creates a premature translational stop signal (p.Gln473*) in the GALNS gene. It is expected to result in an absent or disrupted protein product. Loss-of-function variants in GALNS are known to be pathogenic (PMID: 12442278). For these reasons, this variant has been classified as Pathogenic.

Laboratory of Diagnosis and Therapy of Lysosomal Disorders, University of Padova
Classification: Pathogenic for Mucopolysaccharidosis, MPS-IV-A. Last evaluated: 2021-02-01. Review status: criteria provided, single submitter. Criteria: ACMG Guidelines, 2015. Collection method: curation. Allele origin: germline. Affected: yes.
Comment: Nonsense variant (PVS1_very strong); in vivo functional studies supportive of a damaging effect on the gene product (low to null enzymatic activity in homozygotes; PS3_supporting); absent from gnomAD v2.1.1 (PM2_moderate)

OMIM
Classification: Pathogenic for MUCOPOLYSACCHARIDOSIS, TYPE IVA. Last evaluated: 1995-01-01. Review status: no assertion criteria provided. Collection method: literature only. Allele origin: germline. Not counted in ClinVar's aggregate classification.

Literature cited by the submitters: PubMed 7581409 (cited by Labcorp Genetics (formerly Invitae), Labcorp and OMIM); PubMed 33752727 (cited by Labcorp Genetics (formerly Invitae), Labcorp); PubMed 12442278 (cited by Labcorp Genetics (formerly Invitae), Labcorp and Laboratory of Diagnosis and Therapy of Lysosomal Disorders, University of Padova); PubMed 7633425 (cited by Laboratory of Diagnosis and Therapy of Lysosomal Disorders, University of Padova); PubMed 34387910 (cited by Laboratory of Diagnosis and Therapy of Lysosomal Disorders, University of Padova).